The following is an entry in ClinVar:

ClinVar aggregate classification (germline): Pathogenic. Review status: criteria provided, multiple submitters, no conflicts (2 of 4 stars). 2 submissions from 2 submitters: Pathogenic (2). Last evaluated 2023-07-10.

Allele frequency attached by ClinVar (database versions not stated): gnomAD exomes below 0.00001; gnomAD 0.00001; TOPMed 0.00001.

Submissions (2):

Labcorp Genetics (formerly Invitae), Labcorp
Classification: Pathogenic. Last evaluated: 2023-07-10. Review status: criteria provided, single submitter. Criteria: Invitae Variant Classification Sherloc (09022015). Collection method: clinical testing. Allele origin: germline.
Comment: For these reasons, this variant has been classified as Pathogenic. ClinVar contains an entry for this variant (Variation ID: 594930). This sequence change creates a premature translational stop signal (p.Leu431Serfs*4) in the ABCC2 gene. It is expected to result in an absent or disrupted protein product. Loss-of-function variants in ABCC2 are known to be pathogenic (PMID: 9185779, 16549534, 16952291). This variant is present in population databases (no rsID available, gnomAD 0.0009%). This variant has not been reported in the literature in individuals affected with ABCC2-related conditions.

Eurofins Ntd Llc (ga)
Classification: Pathogenic. Last evaluated: 2017-11-09. Review status: criteria provided, single submitter. Criteria: EGL Classification Definitions 2015. Collection method: clinical testing. Allele origin: germline. Observed: 1 variant allele, 1 heterozygote.

Literature cited by the submitters: PubMed 9185779 (cited by Labcorp Genetics (formerly Invitae), Labcorp); PubMed 16549534 (cited by Labcorp Genetics (formerly Invitae), Labcorp); PubMed 16952291 (cited by Labcorp Genetics (formerly Invitae), Labcorp).

NM_000392.5(ABCC2):c.1291del (p.Leu431fs)

Gene: ABCC2 (ATP binding cassette subfamily C member 2; plus strand). Cytogenetic location: 10q24.2.
Variant type: Deletion.
Coding change: c.1291del on transcript NM_000392.5 (MANE Select); coding-DNA position 1291, one base deleted (C; older notation c.1291delC).
Protein change: p.Leu431fs; shifts the reading frame from leucine 431.
Molecular consequence: frameshift variant.
Genome position (GRCh38, 1-based): chr10:99,804,100, C deleted. VCF-style (leftmost placement, unchanged base first): chr10-99804099-GC-G. GRCh37 (hg19) VCF-style: chr10-101563856-GC-G.
Other names: c.1291del, p.Leu431fs (LRG_1208t1); short protein forms L431fs.
Identifiers: ClinVar variation 594930 (VCV000594930.9), dbSNP rs1208873596, ClinGen allele CA595642436.
Genomic context (GRCh38, chr10:99,804,099, plus strand): 5'-GGCCAGGAAGGAGTACACCGTTGGAGAAACAGTGAACCTGATGTCTGTGGATGCCCAGAA[GC>G]TCATGGATGTGACCAACTTCATGCACATGCTGTGGTCAAGTGTTCTACAGATTGTCTTAT-3'